The following is an entry in ClinVar:

NM_000089.4(COL1A2):c.839G>C (p.Gly280Ala)

Gene: COL1A2 (collagen type I alpha 2 chain; plus strand). Cytogenetic location: 7q21.3.
Variant type: single nucleotide variant.
Coding change: c.839G>C on transcript NM_000089.4 (MANE Select); coding-DNA position 839, G replaced by C.
Protein change: p.Gly280Ala; replaces glycine 280 with alanine.
Molecular consequence: missense variant.
Genome position (GRCh38, 1-based): chr7:94,409,368, G>C. VCF-style: chr7-94409368-G-C. GRCh37 (hg19) VCF-style: chr7-94038680-G-C.
Other names: short protein forms G280A.
Identifiers: ClinVar variation 1899269 (VCV001899269.5), dbSNP rs2484707689, ClinGen allele CA368220626.

ClinVar aggregate classification (germline): Pathogenic (1 of 4 stars; one submission).

Conditions:
Ehlers-Danlos syndrome, classic type, 1 (EDSCL1). Also called: Ehlers-Danlos syndrome, type 1; Ehlers-Danlos Syndrome, Classic Type, COL5A1-Related; EDS I; EHLERS-DANLOS SYNDROME, GRAVIS TYPE; EHLERS-DANLOS SYNDROME, SEVERE CLASSIC TYPE. Identifiers: MedGen C0268335, MONDO:0019567, OMIM 130000.
Osteogenesis imperfecta type I (OI1). Also called: Osteogenesis imperfecta type 1; Lobstein's Disease; Lobstein disease; OI, TYPE I; OSTEOGENESIS IMPERFECTA TARDA; OSTEOGENESIS IMPERFECTA WITH BLUE SCLERAE. Identifiers: Orphanet 216796, Orphanet 666, MedGen C0023931, MONDO:0008146, OMIM 166200. Disease mechanism: loss of function.

Submission:

Labcorp Genetics (formerly Invitae), Labcorp
Classification: Pathogenic for Osteogenesis imperfecta type I; Ehlers-Danlos syndrome, classic type, 1. Last evaluated: 2025-06-12. Review status: criteria provided, single submitter. Criteria: Invitae Variant Classification Sherloc (09022015). Collection method: clinical testing. Allele origin: germline.
Comment: This sequence change replaces glycine, which is neutral and non-polar, with alanine, which is neutral and non-polar, at codon 280 of the COL1A2 protein (p.Gly280Ala). This variant is not present in population databases (gnomAD no frequency). This variant has not been reported in the literature in individuals affected with COL1A2-related conditions. ClinVar contains an entry for this variant (Variation ID: 1899269). Invitae Evidence Modeling of protein sequence and biophysical properties (such as structural, functional, and spatial information, amino acid conservation, physicochemical variation, residue mobility, and thermodynamic stability) indicates that this missense variant is expected to disrupt COL1A2 protein function with a positive predictive value of 95%. This variant disrupts the triple helix domain of COL1A2. Glycine residues within the Gly-Xaa-Yaa repeats of the triple helix domain are required for the structure and stability of fibrillar collagens (PMID: 7695699, 8218237, 19344236). In COL1A2, variants affecting these glycine residues are significantly enriched in individuals with disease (PMID: 9016532, 17078022) compared to the general population (ExAC). This variant disrupts the p.Gly280 amino acid residue in COL1A2. Other variant(s) that disrupt this residue have been observed in individuals with COL1A2-related conditions (PMID: 17078022, 18798308, 27519266), which suggests that this may be a clinically significant amino acid residue. For these reasons, this variant has been classified as Pathogenic.

Literature cited by the submitters: PubMed 7695699; PubMed 8218237; PubMed 19344236; PubMed 9016532; PubMed 17078022; PubMed 18798308; PubMed 27519266.